The following is an entry in ClinVar:

NM_002878.4(RAD51D):c.497G>A (p.Arg166Lys)

Genes: RAD51D (RAD51 paralog D; minus strand), RAD51L3-RFFL (RAD51L3-RFFL readthrough; minus strand). Cytogenetic location: 17q12.
Variant type: single nucleotide variant.
Coding change: c.497G>A on transcript NM_002878.4 (MANE Select); coding-DNA position 497, G replaced by A.
Protein change: p.Arg166Lys; replaces arginine 166 with lysine.
Molecular consequence: missense variant. On other transcripts: non-coding transcript variant (3).
Genome position (GRCh38, 1-based): chr17:35,106,465, C>T on the plus strand (G>A on the coding strand, the complement: RAD51D is on the minus strand). VCF-style: chr17-35106465-C-T. GRCh37 (hg19) VCF-style: chr17-33433484-C-T.
Other names: c.557G>A, p.Arg186Lys (NM_001142571.2); c.161G>A, p.Arg54Lys (NM_133629.3); short protein forms R166K, R186K, R54K.
Identifiers: ClinVar variation 999055 (VCV000999055.5), dbSNP rs1227781897, ClinGen allele CA399088998.

ClinVar aggregate classification (germline): Uncertain significance (1 of 4 stars; one submission).

Conditions:
Breast-ovarian cancer, familial, susceptibility to, 4. Identifiers: Orphanet 145, MedGen C3280345, MONDO:0013669, OMIM 614291.

Submission:

Labcorp Genetics (formerly Invitae), Labcorp
Classification: Uncertain significance for Breast-ovarian cancer, familial, susceptibility to, 4. Last evaluated: 2022-01-27. Review status: criteria provided, single submitter. Criteria: Invitae Variant Classification Sherloc (09022015). Collection method: clinical testing. Allele origin: germline.
Comment: This sequence change replaces arginine, which is basic and polar, with lysine, which is basic and polar, at codon 166 of the RAD51D protein (p.Arg166Lys). This variant is not present in population databases (gnomAD no frequency). In summary, the available evidence is currently insufficient to determine the role of this variant in disease. Therefore, it has been classified as a Variant of Uncertain Significance. Algorithms developed to predict the effect of missense changes on protein structure and function (SIFT, PolyPhen-2, Align-GVGD) all suggest that this variant is likely to be tolerated. ClinVar contains an entry for this variant (Variation ID: 999055). This variant has not been reported in the literature in individuals affected with RAD51D-related conditions.